The following is an entry in ClinVar:

ClinVar aggregate classification (germline): Conflicting classifications of pathogenicity. Review status: criteria provided, conflicting classifications (1 of 4 stars). 5 submissions from 5 submitters: Uncertain significance (4); Likely benign (1). Last evaluated 2025-04-11.

Conditions:
Hereditary cancer-predisposing syndrome. Also called: Neoplastic Syndromes, Hereditary; Tumor predisposition; Hereditary neoplastic syndrome; Hereditary Cancer Syndrome. Identifiers: Orphanet 140162, MedGen C0027672, MeSH D009386, MONDO:0015356.
Hereditary breast ovarian cancer syndrome. Also called: Hereditary breast and ovarian cancer syndrome; Hereditary breast and ovarian cancer; Hereditary breast and ovarian cancer syndrome (HBOC); Breast and ovarian cancer; Hereditary breast and/or ovarian cancer syndrome; BRCA1- and BRCA2-Associated Hereditary Breast and Ovarian Cancer. Identifiers: Orphanet 145, MedGen C0677776, MeSH D061325, MONDO:0003582. Disease mechanism: loss of function.

Allele frequency attached by ClinVar (database versions not stated): ExAC 0.00002.
gnomAD v4.1: 4 of 1,590,856 alleles (0.00025%); highest among the groups gnomAD compares: South Asian, 0.0047%; no homozygotes.

Submissions (5):

GeneDx
Classification: Uncertain significance. Last evaluated: 2025-04-11. Review status: criteria provided, single submitter. Criteria: GeneDx Variant Classification Process June 2021. Collection method: clinical testing. Allele origin: germline. Affected: yes.
Comment: Not observed at significant frequency in large population cohorts (gnomAD); In silico analysis supports that this missense variant has a deleterious effect on protein structure/function; Also known as 2809C>A; This variant is associated with the following publications: (PMID: 29884841, 35464868, 32377563, 34218100, 39041507)

Labcorp Genetics (formerly Invitae), Labcorp
Classification: Uncertain significance for Hereditary breast ovarian cancer syndrome. Last evaluated: 2024-12-28. Review status: criteria provided, single submitter. Criteria: Invitae Variant Classification Sherloc (09022015). Collection method: clinical testing. Allele origin: germline.
Comment: This sequence change replaces glutamine, which is neutral and polar, with lysine, which is basic and polar, at codon 861 of the BRCA2 protein (p.Gln861Lys). This variant is present in population databases (rs773356478, gnomAD 0.02%). This missense change has been observed in individual(s) with breast and/or ovarian cancer (PMID: 34218100). ClinVar contains an entry for this variant (Variation ID: 628302). Invitae Evidence Modeling of protein sequence and biophysical properties (such as structural, functional, and spatial information, amino acid conservation, physicochemical variation, residue mobility, and thermodynamic stability) indicates that this missense variant is not expected to disrupt BRCA2 protein function with a negative predictive value of 95%. In summary, the available evidence is currently insufficient to determine the role of this variant in disease. Therefore, it has been classified as a Variant of Uncertain Significance.

University of Washington Department of Laboratory Medicine, University of Washington
Classification: Likely benign for Hereditary cancer-predisposing syndrome. Last evaluated: 2023-03-23. Review status: criteria provided, single submitter. Criteria: Dines et al. (Genet Med. 2020). Collection method: curation. Allele origin: germline.
Comment: Missense variant in a coldspot region where missense variants are very unlikely to be pathogenic (PMID:31911673).

BRCA2 exon 11 coldspot. Reclassification based on statistical prior probability.

National Health Laboratory Service, Universitas Academic Hospital and University of the Free State
Classification: Uncertain significance for Hereditary breast ovarian cancer syndrome. Last evaluated: 2021-11-16. Review status: criteria provided, single submitter. Criteria: ACMG Guidelines, 2015. Collection method: clinical testing. Allele origin: germline. Affected: yes. Observed: 1 variant allele.

Color Diagnostics, LLC DBA Color Health
Classification: Uncertain significance for Hereditary cancer-predisposing syndrome. Last evaluated: 2019-05-04. Review status: criteria provided, single submitter. Criteria: ACMG Guidelines, 2015. Collection method: clinical testing. Allele origin: germline.

Literature cited by the submitters: PubMed 34218100 (cited by Labcorp Genetics (formerly Invitae), Labcorp); DOI 10.3389/fgene.2022.834265 (cited by National Health Laboratory Service, Universitas Academic Hospital and University of the Free State).

NM_000059.4(BRCA2):c.2581C>A (p.Gln861Lys)

Gene: BRCA2 (BRCA2 DNA repair associated; plus strand). Cytogenetic location: 13q13.1.
Variant type: single nucleotide variant.
Coding change: c.2581C>A on transcript NM_000059.4 (MANE Select); coding-DNA position 2581, C replaced by A.
Protein change: p.Gln861Lys; replaces glutamine 861 with lysine.
Molecular consequence: missense variant.
Genome position (GRCh38, 1-based): chr13:32,336,936, C>A. VCF-style: chr13-32336936-C-A. GRCh37 (hg19) VCF-style: chr13-32911073-C-A.
Other names: NP_000050.3:p.Gln861Lys; short protein forms Q861K.
Identifiers: ClinVar variation 628302 (VCV000628302.24), dbSNP rs773356478, ClinGen allele CA6940614.